The following is an entry in ClinVar:

ClinVar aggregate classification (germline): Pathogenic (1 of 4 stars; one submission).

Submission:

Labcorp Genetics (formerly Invitae), Labcorp
Classification: Pathogenic. Last evaluated: 2025-01-18. Review status: criteria provided, single submitter. Criteria: Invitae Variant Classification Sherloc (09022015). Collection method: clinical testing. Allele origin: germline.
Comment: This sequence change creates a premature translational stop signal (p.His866Glnfs*3) in the LRP5 gene. It is expected to result in an absent or disrupted protein product. Loss-of-function variants in LRP5 are known to be pathogenic (PMID: 11719191, 16252235, 25711638). This variant is not present in population databases (gnomAD no frequency). This variant has not been reported in the literature in individuals affected with LRP5-related conditions. For these reasons, this variant has been classified as Pathogenic.

Literature cited by the submitters: PubMed 11719191; PubMed 16252235; PubMed 25711638.

NM_002335.4(LRP5):c.2595_2596del (p.His866fs)

Gene: LRP5 (LDL receptor related protein 5; plus strand). Cytogenetic location: 11q13.2.
Variant type: Deletion.
Coding change: c.2595_2596del on transcript NM_002335.4 (MANE Select); coding-DNA positions 2595 to 2596, 2 bases deleted (GC; older notation c.2595_2596delGC).
Protein change: p.His866fs; shifts the reading frame from histidine 866.
Molecular consequence: frameshift variant.
Genome position (GRCh38, 1-based): chr11:68,413,780-68,413,781, GC deleted. VCF-style (leftmost placement, unchanged base first): chr11-68413779-TGC-T. GRCh37 (hg19) VCF-style: chr11-68181247-TGC-T.
Other names: c.852_853del, p.His285fs (NM_001291902.2); short protein forms H285fs, H866fs.
Identifiers: ClinVar variation 3672088 (VCV003672088.2).